The following is an entry in ClinVar:

NM_001134363.3(RBM20):c.2182G>T (p.Glu728Ter)

Gene: RBM20 (RNA binding motif protein 20; plus strand). Cytogenetic location: 10q25.2.
Variant type: single nucleotide variant.
Coding change: c.2182G>T on transcript NM_001134363.3 (MANE Select); coding-DNA position 2182, G replaced by T.
Protein change: p.Glu728Ter; replaces glutamic acid 728 with a stop codon.
Molecular consequence: nonsense.
Genome position (GRCh38, 1-based): chr10:110,812,579, G>T. VCF-style: chr10-110812579-G-T. GRCh37 (hg19) VCF-style: chr10-112572337-G-T.
Other names: c.2182G>T (NM_001134363.1); short protein forms E728*.
Identifiers: ClinVar variation 853972 (VCV000853972.8), dbSNP rs1844785287, ClinGen allele CA378372423.

ClinVar aggregate classification (germline): Conflicting classifications of pathogenicity. Review status: criteria provided, conflicting classifications (1 of 4 stars). 2 submissions from 2 submitters: Pathogenic (1); Uncertain significance (1). Last evaluated 2025-12-08.

Conditions:
Dilated cardiomyopathy 1DD (CMD1DD). Identifiers: Orphanet 154, MedGen C2750995, MONDO:0013168, OMIM 613172.
Cardiovascular phenotype. Identifiers: MedGen CN230736.

Submissions (2):

Labcorp Genetics (formerly Invitae), Labcorp
Classification: Pathogenic for Dilated cardiomyopathy 1DD. Last evaluated: 2025-12-08. Review status: criteria provided, single submitter. Criteria: Invitae Variant Classification Sherloc (09022015). Collection method: clinical testing. Allele origin: germline.
Comment: This sequence change creates a premature translational stop signal (p.Glu728*) in the RBM20 gene. It is expected to result in an absent or disrupted protein product. Loss-of-function variants in RBM20 are known to be pathogenic (PMID: 20590677, 22004663, 38288598, 38510713, 40339755). This variant is not present in population databases (gnomAD no frequency). This variant has not been reported in the literature in individuals affected with RBM20-related conditions. ClinVar contains an entry for this variant (Variation ID: 853972). For these reasons, this variant has been classified as Pathogenic.

Ambry Genetics
Classification: Uncertain significance for Cardiovascular phenotype. Last evaluated: 2025-05-12. Review status: criteria provided, single submitter. Criteria: Ambry Variant Classification Scheme 2023. Collection method: clinical testing. Allele origin: germline.
Comment: The p.E728* variant (also known as c.2182G>T), located in coding exon 9 of the RBM20 gene, results from a G to T substitution at nucleotide position 2182. This changes the amino acid from a glutamic acid to a stop codon within coding exon 9. This alteration is expected to result in protein truncation or nonsense-mediated mRNA decay. However, loss of function of RBM20 has not been established as a mechanism of disease. Based on the available evidence, the clinical significance of this alteration remains unclear.

Literature cited by the submitters: PubMed 20590677 (cited by Labcorp Genetics (formerly Invitae), Labcorp); PubMed 22004663 (cited by Labcorp Genetics (formerly Invitae), Labcorp); PubMed 38288598 (cited by Labcorp Genetics (formerly Invitae), Labcorp); PubMed 38510713 (cited by Labcorp Genetics (formerly Invitae), Labcorp); PubMed 40339755 (cited by Labcorp Genetics (formerly Invitae), Labcorp).